The following is an entry in ClinVar:

ClinVar aggregate classification (germline): Likely benign (1 of 4 stars; one submission).

Submission:

CeGaT Center for Human Genetics Tuebingen
Classification: Likely benign. Last evaluated: 2025-07-01. Review status: criteria provided, single submitter. Criteria: CeGaT Center For Human Genetics Tuebingen Variant Classification Criteria Version 2. Collection method: clinical testing. Allele origin: germline. Affected: yes. Observed: 12 variant alleles.
Comment: NIPBL: BS1

NM_133433.4(NIPBL):c.-79-1563_-79-1534del

Gene: NIPBL (NIPBL cohesin loading factor; plus strand). Cytogenetic location: 5p13.2.
Variant type: Deletion.
Coding change: c.-79-1563_-79-1534del on transcript NM_133433.4 (MANE Select); 1563 bases into the intron before 79 bases upstream of the start codon through 1534 bases into the intron before 79 bases upstream of the start codon, 30 bases deleted (CGCGCGCGCGCGCGCGCGCATGTGTGTGTG).
Molecular consequence: intron variant.
Genome position (GRCh38, 1-based): chr5:36,952,055-36,952,084, CGCGCGCGCGCGCGCGCGCATGTGTGTGTG deleted; deleting any 30 consecutive bases within chr5:36,952,045-36,952,084 gives the same sequence; the c. name uses the placement nearest the transcript's 3' end. VCF-style (leftmost placement, unchanged base first): chr5-36952044-GTGTGTGTGTGCGCGCGCGCGCGCGCGCGCA-G. GRCh37 (hg19) VCF-style: chr5-36952146-GTGTGTGTGTGCGCGCGCGCGCGCGCGCGCA-G.
Other names: c.-79-1563_-79-1534del (NM_015384.5).
Identifiers: ClinVar variation 1675982 (VCV001675982.33), dbSNP rs1395841873, ClinGen allele CA443901607.